The following is an entry in ClinVar:

NM_006766.5(KAT6A):c.5140G>A (p.Ala1714Thr)

Gene: KAT6A (lysine acetyltransferase 6A; minus strand). Cytogenetic location: 8p11.21.
Variant type: single nucleotide variant.
Coding change: c.5140G>A on transcript NM_006766.5 (MANE Select); coding-DNA position 5140, G replaced by A.
Protein change: p.Ala1714Thr; replaces alanine 1714 with threonine.
Molecular consequence: missense variant.
Genome position (GRCh38, 1-based): chr8:41,933,080, C>T on the plus strand (G>A on the coding strand, the complement: KAT6A is on the minus strand). VCF-style: chr8-41933080-C-T. GRCh37 (hg19) VCF-style: chr8-41790598-C-T.
Other names: short protein forms A1714T.
Identifiers: ClinVar variation 2741384 (VCV002741384.3), dbSNP rs760546443, ClinGen allele CA175938776.
Genomic context (GRCh38, chr8:41,933,080, plus strand): 5'-TCTCATAGATACTTATGTTCCCAGTGCTTCCAGATTCTGGTATCTCCATGATCATAGGAG[C>T]TGGGGTGAAACTGTTATTCATACTACACTGTGACAGCGGGGGCTGCTGCTGGGGAGGGGG-3'
Protein context (NP_006757.2, residues 1704-1724): QCSMNNSFTP[Ala1714Thr]PMIMEIPESG

ClinVar aggregate classification (germline): Uncertain significance (1 of 4 stars; one submission).

Allele frequency attached by ClinVar (database versions not stated): gnomAD exomes 0.00001.
gnomAD v4.1: 9 of 1,506,938 alleles (0.0006%); highest among the groups gnomAD compares: Non-Finnish European, 0.0008%; no homozygotes.

Submission:

Labcorp Genetics (formerly Invitae), Labcorp
Classification: Uncertain significance. Last evaluated: 2023-07-10. Review status: criteria provided, single submitter. Criteria: Invitae Variant Classification Sherloc (09022015). Collection method: clinical testing. Allele origin: germline.
Comment: In summary, the available evidence is currently insufficient to determine the role of this variant in disease. Therefore, it has been classified as a Variant of Uncertain Significance. Experimental studies and prediction algorithms are not available or were not evaluated, and the functional significance of this variant is currently unknown. This variant has not been reported in the literature in individuals affected with KAT6A-related conditions. This variant is not present in population databases (gnomAD no frequency). This sequence change replaces alanine, which is neutral and non-polar, with threonine, which is neutral and polar, at codon 1714 of the KAT6A protein (p.Ala1714Thr).